The following is an entry in ClinVar:

NM_000937.5(POLR2A):c.504A>C (p.Gln168His)

Gene: POLR2A (RNA polymerase II subunit A; plus strand). Cytogenetic location: 17p13.1.
Variant type: single nucleotide variant.
Coding change: c.504A>C on transcript NM_000937.5 (MANE Select); coding-DNA position 504, A replaced by C.
Protein change: p.Gln168His; replaces glutamine 168 with histidine.
Molecular consequence: missense variant.
Genome position (GRCh38, 1-based): chr17:7,496,580, A>C. VCF-style: chr17-7496580-A-C. GRCh37 (hg19) VCF-style: chr17-7399899-A-C.
Other names: short protein forms Q168H.
Identifiers: ClinVar variation 2446502 (VCV002446502.1), dbSNP rs1597795004, ClinGen allele CA397859908.

ClinVar aggregate classification (germline): Uncertain significance (1 of 4 stars; one submission).

Submission:

GeneDx
Classification: Uncertain significance. Last evaluated: 2022-10-03. Review status: criteria provided, single submitter. Criteria: GeneDx Variant Classification Process June 2021. Collection method: clinical testing. Allele origin: germline. Affected: yes.
Comment: Not observed at significant frequency in large population cohorts (gnomAD); In silico analysis supports that this missense variant does not alter protein structure/function; Has not been previously published as pathogenic or benign to our knowledge